The following is an entry in ClinVar:

NM_001134407.3(GRIN2A):c.1329-105A>C

Gene: GRIN2A (glutamate ionotropic receptor NMDA type subunit 2A; minus strand). Cytogenetic location: 16p13.2.
Variant type: single nucleotide variant.
Coding change: c.1329-105A>C on transcript NM_001134407.3 (MANE Select); 105 bases into the intron before coding-DNA position 1329, A replaced by C.
Molecular consequence: intron variant.
Genome position (GRCh38, 1-based): chr16:9,841,209, T>G on the plus strand (A>C on the coding strand, the complement: GRIN2A is on the minus strand). VCF-style: chr16-9841209-T-G. GRCh37 (hg19) VCF-style: chr16-9935066-T-G.
Other names: c.1329-105A>C (NM_001134408.2, NM_000833.5).
Identifiers: ClinVar variation 674884 (VCV000674884.1), dbSNP rs6497540, ClinGen allele CA15870936.

ClinVar aggregate classification (germline): Benign (1 of 4 stars; one submission).

Allele frequency attached by ClinVar (database versions not stated): 1000 Genomes Project 0.29892; 1000 Genomes Project 30x 0.30621; gnomAD exomes 0.35473; gnomAD 0.38251 and 0.39397; TOPMed 0.38527.
gnomAD v4.1: 354,265 of 986,132 alleles (36%); highest among the groups gnomAD compares: African/African-American, 47%; 67,886 homozygotes.

Submission:

GeneDx
Classification: Benign. Last evaluated: 2018-06-19. Review status: criteria provided, single submitter. Criteria: GeneDx Variant Classification (06012015). Collection method: clinical testing. Allele origin: germline. Affected: yes.
Comment: This variant is considered likely benign or benign based on one or more of the following criteria: it is a conservative change, it occurs at a poorly conserved position in the protein, it is predicted to be benign by multiple in silico algorithms, and/or has population frequency not consistent with disease.